The following is an entry in ClinVar:

ClinVar aggregate classification (germline): Benign. Review status: criteria provided, multiple submitters, no conflicts (2 of 4 stars). 5 submissions from 5 submitters: Benign (2). 3 of the submissions do not count toward it. Last evaluated 2026-01-27.

Conditions:
NDUFA9-related disorder. Also called: NDUFA9-related condition.

Allele frequency attached by ClinVar (database versions not stated): 1000 Genomes Project 30x 0.00968; 1000 Genomes Project 0.00978; TOPMed 0.01533; gnomAD 0.01581 and 0.01666; gnomAD exomes 0.01605; ESP Exome Variant Server 0.01676; ExAC 0.01699.
gnomAD v4.1: 31,530 of 1,611,710 alleles (2%); highest among the groups gnomAD compares: Non-Finnish European, 2.3%; 406 homozygotes.

Submissions (5):

Labcorp Genetics (formerly Invitae), Labcorp
Classification: Benign. Last evaluated: 2026-01-27. Review status: criteria provided, single submitter. Criteria: Invitae Variant Classification Sherloc (09022015). Collection method: clinical testing. Allele origin: germline.

Breakthrough Genomics
Classification: Benign. Review status: criteria provided, single submitter. Criteria: ACMG Guidelines, 2015. Collection method: not provided. Allele origin: germline. Inheritance: Autosomal recessive inheritance. Affected: yes.

PreventionGenetics, part of Exact Sciences
Classification: Benign for NDUFA9-related condition. Last evaluated: 2019-07-08. Review status: no assertion criteria provided. Collection method: clinical testing. Allele origin: germline. Not counted in ClinVar's aggregate classification.
Comment: This variant is classified as benign based on ACMG/AMP sequence variant interpretation guidelines (Richards et al. 2015 PMID: 25741868, with internal and published modifications).

Mayo Clinic Laboratories, Mayo Clinic
Classification: Likely benign. Last evaluated: 2016-03-07. Review status: no assertion criteria provided. Collection method: clinical testing. Allele origin: unknown. Not counted in ClinVar's aggregate classification.

Genetic Services Laboratory, University of Chicago
Classification: Likely benign for AllHighlyPenetrant. Review status: no assertion criteria provided. Collection method: clinical testing. Allele origin: germline. Inheritance: Autosomal recessive inheritance. Not counted in ClinVar's aggregate classification.
Comment: Likely benign based on allele frequency in 1000 Genomes Project or ESP global frequency and its presence in a patient with a rare or unrelated disease phenotype. NOT Sanger confirmed.

NM_005002.5(NDUFA9):c.881C>T (p.Pro294Leu)

Gene: NDUFA9 (NADH:ubiquinone oxidoreductase subunit A9; plus strand). Cytogenetic location: 12p13.32.
Variant type: single nucleotide variant.
Coding change: c.881C>T on transcript NM_005002.5 (MANE Select); coding-DNA position 881, C replaced by T.
Protein change: p.Pro294Leu; replaces proline 294 with leucine.
Molecular consequence: missense variant.
Genome position (GRCh38, 1-based): chr12:4,682,285, C>T. VCF-style: chr12-4682285-C-T. GRCh37 (hg19) VCF-style: chr12-4791451-C-T.
Other names: short protein forms P294L.
Identifiers: ClinVar variation 129687 (VCV000129687.21), dbSNP rs34076756, ClinGen allele CA288964.